The following is an entry in ClinVar:

ClinVar aggregate classification (germline): Uncertain significance. Review status: criteria provided, multiple submitters, no conflicts (2 of 4 stars). 2 submissions from 2 submitters: Uncertain significance (2). Last evaluated 2021-09-09.

Conditions:
Adenylosuccinate lyase deficiency (ADSLD). Also called: ADSL DEFICIENCY. Identifiers: Orphanet 46, MedGen C0268126, MONDO:0007068, OMIM 103050.

Allele frequency attached by ClinVar (database versions not stated): TOPMed 0.00001; gnomAD 0.00002; ESP Exome Variant Server 0.00008.
gnomAD v4.1: 5 of 1,614,094 alleles (0.00031%); highest among the groups gnomAD compares: African/African-American, 0.0053%; no homozygotes.

Submissions (2):

Labcorp Genetics (formerly Invitae), Labcorp
Classification: Uncertain significance for Adenylosuccinate lyase deficiency. Last evaluated: 2021-09-09. Review status: criteria provided, single submitter. Criteria: Invitae Variant Classification Sherloc (09022015). Collection method: clinical testing. Allele origin: germline.
Comment: This sequence change replaces arginine with serine at codon 300 of the ADSL protein (p.Arg300Ser). The arginine residue is highly conserved and there is a moderate physicochemical difference between arginine and serine. This variant is not present in population databases (ExAC no frequency). This variant has not been reported in the literature in individuals affected with ADSL-related conditions. ClinVar contains an entry for this variant (Variation ID: 432501). Advanced modeling of protein sequence and biophysical properties (such as structural, functional, and spatial information, amino acid conservation, physicochemical variation, residue mobility, and thermodynamic stability) performed at Invitae indicates that this missense variant is expected to disrupt ADSL protein function. In summary, the available evidence is currently insufficient to determine the role of this variant in disease. Therefore, it has been classified as a Variant of Uncertain Significance.

GeneDx
Classification: Uncertain significance. Last evaluated: 2017-06-06. Review status: criteria provided, single submitter. Criteria: GeneDx Variant Classification (06012015). Collection method: clinical testing. Allele origin: germline. Affected: yes.
Comment: A variant of uncertain significance has been identified in the ADSL gene. The R300S variant has not been published as a pathogenic variant, nor has it been reported as a benign variant to our knowledge. The R300S variant is not observed in large population cohorts (Lek et al., 2016; 1000 Genomes Consortium et al., 2015; Exome Variant Server). The R300S variant is a semi-conservative amino acid substitution, which may impact secondary protein structure as these residues differ in some properties. This substitution occurs at a position that is conserved across species, and in silico analysis predicts this variant is probably damaging to the protein structure/function. Based on the currently available information, it is unclear whether this variant is a pathogenic variant or a rare benign variant.

NM_000026.4(ADSL):c.898C>A (p.Arg300Ser)

Gene: ADSL (adenylosuccinate lyase; plus strand). Cytogenetic location: 22q13.1.
Variant type: single nucleotide variant.
Coding change: c.898C>A on transcript NM_000026.4 (MANE Select); coding-DNA position 898, C replaced by A.
Protein change: p.Arg300Ser; replaces arginine 300 with serine.
Molecular consequence: missense variant. On other transcripts: non-coding transcript variant (1).
Genome position (GRCh38, 1-based): chr22:40,361,523, C>A. VCF-style: chr22-40361523-C-A. GRCh37 (hg19) VCF-style: chr22-40757527-C-A.
Other names: c.898C>A, p.Arg300Ser (NM_001123378.3, NM_001363840.3); c.706C>A, p.Arg236Ser (NM_001317923.2); short protein forms R300S, R236S.
Identifiers: ClinVar variation 432501 (VCV000432501.5), dbSNP rs369617680, ClinGen allele CA324458491.